The following is an entry in ClinVar:

NM_003118.4(SPARC):c.705C>T (p.Phe235=)

Gene: SPARC (secreted protein acidic and cysteine rich; minus strand). Cytogenetic location: 5q33.1.
Variant type: single nucleotide variant.
Coding change: c.705C>T on transcript NM_003118.4 (MANE Select); coding-DNA position 705, C replaced by T.
Protein change: p.Phe235=; no amino-acid change (phenylalanine 235 retained).
Molecular consequence: synonymous variant.
Genome position (GRCh38, 1-based): chr5:151,666,390, G>A on the plus strand (C>T on the coding strand, the complement: SPARC is on the minus strand). VCF-style: chr5-151666390-G-A. GRCh37 (hg19) VCF-style: chr5-151045951-G-A.
Other names: p.Phe235=; c.702C>T, p.Phe234= (NM_001309443.2); c.705C>T, p.Phe235= (NM_001309444.2).
Identifiers: ClinVar variation 1929170 (VCV001929170.6), dbSNP rs755476160, ClinGen allele CA3522608.

ClinVar aggregate classification (germline): Likely benign. Review status: criteria provided, multiple submitters, no conflicts (2 of 4 stars). 2 submissions from 2 submitters: Likely benign (2). Last evaluated 2025-12-31.

Allele frequency attached by ClinVar (database versions not stated): ExAC 0.00002; gnomAD exomes 0.00002; TOPMed 0.00003; gnomAD 0.00005.
gnomAD v4.1: 31 of 1,613,948 alleles (0.0019%); highest among the groups gnomAD compares: African/African-American, 0.008%; no homozygotes.

Submissions (2):

Labcorp Genetics (formerly Invitae), Labcorp
Classification: Likely benign. Last evaluated: 2025-12-31. Review status: criteria provided, single submitter. Criteria: Invitae Variant Classification Sherloc (09022015). Collection method: clinical testing. Allele origin: germline.

Mayo Clinic Laboratories, Mayo Clinic
Classification: Likely benign. Last evaluated: 2025-10-09. Review status: criteria provided, single submitter. Criteria: ACMG Guidelines, 2015. Collection method: clinical testing. Allele origin: germline. Observed: 1 variant allele.
Comment: BP4, BP7